The following is an entry in ClinVar:

NM_004204.5(PIGQ):c.894G>A (p.Gly298=)

Gene: PIGQ (phosphatidylinositol glycan anchor biosynthesis class Q; plus strand). Cytogenetic location: 16p13.3.
Variant type: single nucleotide variant.
Coding change: c.894G>A on transcript NM_004204.5 (MANE Select); coding-DNA position 894, G replaced by A.
Protein change: p.Gly298=; no amino-acid change (glycine 298 retained).
Molecular consequence: synonymous variant.
Genome position (GRCh38, 1-based): chr16:576,206, G>A. VCF-style: chr16-576206-G-A. GRCh37 (hg19) VCF-style: chr16-626206-G-A.
Other names: c.894G>A, p.Gly298= (NM_148920.4).
Identifiers: ClinVar variation 1084769 (VCV001084769.10), dbSNP rs557891539, ClinGen allele CA7780017.
Genomic context (GRCh38, chr16:576,206, plus strand): 5'-GGTGGCCTCTGTGCTGCTGGACGTGGCCCTGGGCCTCATGCTGCTGTCCTGGCTCCACGG[G>A]AGAAGCCGCATCGGGCATCTGGCCGACGCCCTCGTTCCTGTGGCTGACGTGAGTGGACTG-3'
Protein context (NP_004195.2, residues 288-308): LGLMLLSWLH[Gly298=]RSRIGHLADA

ClinVar aggregate classification (germline): Likely benign. Review status: criteria provided, multiple submitters, no conflicts (2 of 4 stars). 2 submissions from 2 submitters: Likely benign (2). Last evaluated 2026-07-01.

Conditions:
Epilepsy. Also called: Seizure disorder. Identifiers: MedGen C0014544, MeSH D004827, MONDO:0005027.

Allele frequency attached by ClinVar (database versions not stated): gnomAD 0.00002 and 0.00001; gnomAD exomes 0.00005 and 0.00009; TOPMed 0.00006; ExAC 0.00010; 1000 Genomes Project 30x 0.00016; 1000 Genomes Project 0.00020.
gnomAD v4.1: 124 of 1,550,594 alleles (0.008%); highest among the groups gnomAD compares: Non-Finnish European, 0.01%; no homozygotes.

Submissions (2):

CeGaT Center for Human Genetics Tuebingen
Classification: Likely benign. Last evaluated: 2026-07-01. Review status: criteria provided, single submitter. Criteria: CeGaT Center For Human Genetics Tuebingen Variant Classification Criteria Version 2. Collection method: clinical testing. Allele origin: germline. Affected: yes. Observed: 1 variant allele.
Comment: PIGQ: BP4, BP7

Labcorp Genetics (formerly Invitae), Labcorp
Classification: Likely benign for Epilepsy. Last evaluated: 2024-12-16. Review status: criteria provided, single submitter. Criteria: Invitae Variant Classification Sherloc (09022015). Collection method: clinical testing. Allele origin: germline.